The following is an entry in ClinVar:

ClinVar aggregate classification (germline): Likely benign (0 of 4 stars; one submission).

Conditions:
GNAS-related disorder. Identifiers: MedGen CN380105.

Submission:

PreventionGenetics, part of Exact Sciences
Classification: Likely benign for GNAS-related condition. Last evaluated: 2022-11-21. Review status: no assertion criteria provided. Collection method: clinical testing. Allele origin: germline.
Comment: This variant is classified as likely benign based on ACMG/AMP sequence variant interpretation guidelines (Richards et al. 2015 PMID: 25741868, with internal and published modifications).

NM_080425.4(GNAS):c.2068+6G>A

Gene: GNAS (GNAS complex locus; plus strand). Cytogenetic location: 20q13.32.
Variant type: single nucleotide variant.
Coding change: c.2068+6G>A on transcript NM_080425.4 (MANE Plus Clinical); 6 bases into the intron after coding-DNA position 2068, G replaced by A.
Molecular consequence: intron variant.
Genome position (GRCh38, 1-based): chr20:58,855,339, G>A. VCF-style: chr20-58855339-G-A. GRCh37 (hg19) VCF-style: chr20-57430394-G-A.
Other names: c.*42+14453G>A (NM_016592.5); c.43+14453G>A (NM_001410912.1); c.-39+13464G>A (NM_001309861.2); c.*1881+6G>A (NM_001077490.3, NM_001309883.1); c.2068+6G>A (NM_001410913.1).
Identifiers: ClinVar variation 3353691 (VCV003353691.1).